The following is an entry in ClinVar:

NM_001848.3(COL6A1):c.1814-7_1814-6delinsAA

Gene: COL6A1 (collagen type VI alpha 1 chain; plus strand). Cytogenetic location: 21q22.3.
Variant type: Indel.
Coding change: c.1814-7_1814-6delinsAA on transcript NM_001848.3 (MANE Select); 7 bases into the intron before coding-DNA position 1814 through 6 bases into the intron before coding-DNA position 1814, TC replaced by AA.
Molecular consequence: intron variant.
Genome position (GRCh38, 1-based): chr21:46,000,752-46,000,753, TC replaced by AA. VCF-style: chr21-46000752-TC-AA. GRCh37 (hg19) VCF-style: chr21-47420666-TC-AA.
Identifiers: ClinVar variation 1047115 (VCV001047115.9), dbSNP rs2077839436, ClinGen allele CA2392440098.

ClinVar aggregate classification (germline): Uncertain significance (1 of 4 stars; one submission).

Conditions:
Bethlem myopathy 1A. Also called: Bethlem Muscular Dystrophy; MYOPATHY, BENIGN CONGENITAL, WITH CONTRACTURES; Bethlem myopathy 1. Identifiers: Orphanet 610, MedGen CN029274, MONDO:0024530, OMIM 158810.

Submission:

Labcorp Genetics (formerly Invitae), Labcorp
Classification: Uncertain significance for Bethlem myopathy 1A. Last evaluated: 2022-02-03. Review status: criteria provided, single submitter. Criteria: Invitae Variant Classification Sherloc (09022015). Collection method: clinical testing. Allele origin: germline.
Comment: In summary, the available evidence is currently insufficient to determine the role of this variant in disease. Therefore, it has been classified as a Variant of Uncertain Significance. Algorithms developed to predict the effect of sequence changes on RNA splicing suggest that this variant may disrupt the consensus splice site. ClinVar contains an entry for this variant (Variation ID: 1047115). This variant has not been reported in the literature in individuals affected with COL6A1-related conditions. Information on the frequency of this variant in the gnomAD database is not available, as this variant may be reported differently in the database. This sequence change falls in intron 28 of the COL6A1 gene. It does not directly change the encoded amino acid sequence of the COL6A1 protein.